The following is an entry in ClinVar:

NM_173660.5(DOK7):c.601C>T (p.Arg201Ter)

Gene: DOK7 (docking protein 7; plus strand). Cytogenetic location: 4p16.3.
Variant type: single nucleotide variant.
Coding change: c.601C>T on transcript NM_173660.5 (MANE Select); coding-DNA position 601, C replaced by T.
Protein change: p.Arg201Ter; replaces arginine 201 with a stop codon.
Molecular consequence: nonsense. On other transcripts: missense variant (1), 5 prime UTR variant (1).
Genome position (GRCh38, 1-based): chr4:3,485,607, C>T. VCF-style: chr4-3485607-C-T. GRCh37 (hg19) VCF-style: chr4-3487334-C-T.
Other names: c.590C>T, p.Pro197Leu (NM_001164673.2); c.-330C>T (NM_001256896.2); c.601C>T, p.Arg201Ter (NM_001301071.2); c.169C>T, p.Arg57Ter (NM_001363811.2); short protein forms R201*, P197L, R57*.
Identifiers: ClinVar variation 1279 (VCV000001279.13), dbSNP rs118203995, ClinGen allele CA251739.

ClinVar aggregate classification (germline): Pathogenic. Review status: criteria provided, multiple submitters, no conflicts (2 of 4 stars). 5 submissions from 5 submitters: Pathogenic (4). 1 of the submissions does not count toward it. Last evaluated 2024-09-28.

Conditions:
Congenital myasthenic syndrome 10. Also called: Myasthenia, limb-girdle, familial. Identifiers: Orphanet 590, MedGen C1850792, MONDO:0009690, OMIM 254300.
Fetal akinesia deformation sequence 3. Identifiers: MedGen C4760599, MONDO:0100103, OMIM 618389.
Fetal akinesia deformation sequence 1 (FADS1). Also called: Fetal akinesia sequence; Pena-Shokeir syndrome type I. Identifiers: Orphanet 994, MedGen C1276035, MONDO:0100101, OMIM 208150, HP:0001989.

Allele frequency attached by ClinVar (database versions not stated): gnomAD exomes below 0.00001; TOPMed below 0.00001.
gnomAD v4.1: 5 of 1,607,772 alleles (0.00031%); highest among the groups gnomAD compares: South Asian, 0.0011%; no homozygotes.

Submissions (5):

Labcorp Genetics (formerly Invitae), Labcorp
Classification: Pathogenic for Congenital myasthenic syndrome 10; Fetal akinesia deformation sequence 1. Last evaluated: 2024-09-28. Review status: criteria provided, single submitter. Criteria: Invitae Variant Classification Sherloc (09022015). Collection method: clinical testing. Allele origin: germline.
Comment: This sequence change creates a premature translational stop signal (p.Arg201*) in the DOK7 gene. It is expected to result in an absent or disrupted protein product. Loss-of-function variants in DOK7 are known to be pathogenic (PMID: 16794080, 16917026, 18626973, 19261599). This variant is present in population databases (rs118203995, gnomAD 0.003%). This premature translational stop signal has been observed in individuals with congenital myasthenic syndrome (PMID: 16917026, 25849006). ClinVar contains an entry for this variant (Variation ID: 1279). Algorithms developed to predict the effect of variants on gene product structure and function are not available or were not evaluated for this variant. Experimental studies have shown that this premature translational stop signal affects DOK7 function (PMID: 18165682). For these reasons, this variant has been classified as Pathogenic.

Fulgent Genetics
Classification: Pathogenic for Congenital myasthenic syndrome 10; Fetal akinesia deformation sequence 3. Last evaluated: 2024-05-16. Review status: criteria provided, single submitter. Criteria: ACMG Guidelines, 2015. Collection method: clinical testing. Allele origin: germline.

Baylor Genetics
Classification: Pathogenic for Fetal akinesia deformation sequence 3. Last evaluated: 2023-12-10. Review status: criteria provided, single submitter. Criteria: ACMG Guidelines, 2015. Collection method: clinical testing. Allele origin: unknown.

Revvity Omics, Revvity
Classification: Pathogenic. Last evaluated: 2023-05-17. Review status: criteria provided, single submitter. Criteria: ACMG Guidelines, 2015. Collection method: clinical testing. Allele origin: germline.

OMIM
Classification: Pathogenic for MYASTHENIC SYNDROME, CONGENITAL, 10. Last evaluated: 2006-09-29. Review status: no assertion criteria provided. Collection method: literature only. Allele origin: germline. Not counted in ClinVar's aggregate classification.

Literature cited by the submitters: PubMed 16794080 (cited by Labcorp Genetics (formerly Invitae), Labcorp); PubMed 16917026 (cited by Labcorp Genetics (formerly Invitae), Labcorp and OMIM); PubMed 18626973 (cited by Labcorp Genetics (formerly Invitae), Labcorp); PubMed 19261599 (cited by Labcorp Genetics (formerly Invitae), Labcorp); PubMed 25849006 (cited by Labcorp Genetics (formerly Invitae), Labcorp); PubMed 18165682 (cited by Labcorp Genetics (formerly Invitae), Labcorp).